The following is an entry in ClinVar:

ClinVar aggregate classification (germline): Uncertain significance (1 of 4 stars; one submission).

Allele frequency attached by ClinVar (database versions not stated): TOPMed below 0.00001; gnomAD exomes 0.00002 and 0.00006; gnomAD 0.00003; ExAC 0.00007; 1000 Genomes Project 30x 0.00031; 1000 Genomes Project 0.00040.
gnomAD v4.1: 27 of 1,604,798 alleles (0.0017%); highest among the groups gnomAD compares: South Asian, 0.029%; no homozygotes.

Submission:

Labcorp Genetics (formerly Invitae), Labcorp
Classification: Uncertain significance. Last evaluated: 2023-10-03. Review status: criteria provided, single submitter. Criteria: Invitae Variant Classification Sherloc (09022015). Collection method: clinical testing. Allele origin: germline.
Comment: This sequence change replaces isoleucine, which is neutral and non-polar, with valine, which is neutral and non-polar, at codon 10 of the CNGA1 protein (p.Ile10Val). This variant is present in population databases (rs534317245, gnomAD 0.04%). This variant has not been reported in the literature in individuals affected with CNGA1-related conditions. ClinVar contains an entry for this variant (Variation ID: 948649). Algorithms developed to predict the effect of missense changes on protein structure and function output the following: SIFT: "Not Available"; PolyPhen-2: "Benign"; Align-GVGD: "Not Available". The valine amino acid residue is found in multiple mammalian species, which suggests that this missense change does not adversely affect protein function. In summary, the available evidence is currently insufficient to determine the role of this variant in disease. Therefore, it has been classified as a Variant of Uncertain Significance.

NM_001379270.1(CNGA1):c.16A>G (p.Ile6Val)

Genes: CNGA1 (cyclic nucleotide gated channel subunit alpha 1; minus strand), LOC101927157 (uncharacterized LOC101927157; plus strand). Cytogenetic location: 4p12.
Variant type: single nucleotide variant.
Coding change: c.16A>G on transcript NM_001379270.1 (MANE Select); coding-DNA position 16, A replaced by G.
Protein change: p.Ile6Val; replaces isoleucine 6 with valine.
Molecular consequence: missense variant.
Genome position (GRCh38, 1-based): chr4:47,952,674, T>C on the plus strand (A>G on the coding strand, the complement: CNGA1 is on the minus strand). VCF-style: chr4-47952674-T-C. GRCh37 (hg19) VCF-style: chr4-47954691-T-C.
Other names: c.16A>G, p.Ile6Val (NM_000087.5, NM_001142564.2); short protein forms I6V.
Identifiers: ClinVar variation 948649 (VCV000948649.10), dbSNP rs534317245, ClinGen allele CA2911404.
Genomic context (GRCh38, chr4:47,952,674, plus strand): 5'-CCTTTTCAATATCTGGTACAATCACATTGGGCATGGTTACAAAAGACTGCTGTGTATTGA[T>C]AATATTGTTCTTCATGGATAGTTTCATATCTGAGGAGAAAGAAGTCTTATTAGTGGAAAG-3'
Protein context (NP_001366199.1, residues 1-16): MKNNI[Ile6Val]NTQQSFVTMP